The following is an entry in ClinVar:

ClinVar aggregate classification (germline): Pathogenic/Likely pathogenic. Review status: criteria provided, multiple submitters, no conflicts (2 of 4 stars). 3 submissions from 3 submitters: Pathogenic (1); Likely pathogenic (2). Last evaluated 2025-04-22.

Conditions:
Landau-Kleffner syndrome (FESD). Also called: EPILEPSY, FOCAL, WITH SPEECH DISORDER AND WITH OR WITHOUT MENTAL RETARDATION; APHASIA, ACQUIRED, WITH EPILEPSY. Identifiers: Orphanet 1945, Orphanet 725, Orphanet 98818, MedGen C0282512, MONDO:0009509, OMIM 245570.

Allele frequency attached by ClinVar (database versions not stated): gnomAD exomes below 0.00001; ExAC 0.00001.

Submissions (3):

Medical Genetic Diagnosis and Therapy Center, Fujian Medical University
Classification: Likely pathogenic for Landau-Kleffner syndrome. Last evaluated: 2025-04-22. Review status: criteria provided, single submitter. Criteria: ACMG Guidelines 2015. Collection method: clinical testing. Allele origin: paternal. Inheritance: Autosomal dominant inheritance. Affected: yes. Observed: 2 variant alleles.
Comment: This variant is classified as likely pathogenic according to the ACMG guidelines (LP: PM1+PM2+PM5+PP1).

GeneDx
Classification: Pathogenic. Last evaluated: 2024-12-08. Review status: criteria provided, single submitter. Criteria: GeneDx Variant Classification Process June 2021. Collection method: clinical testing. Allele origin: germline. Affected: yes.
Comment: In silico analysis supports that this missense variant has a deleterious effect on protein structure/function; This variant is associated with the following publications: (PMID: 27839871, 37236975, 30544257, 37250406)

Genomic Medicine Lab, University of California San Francisco
Classification: Likely pathogenic for Landau-Kleffner syndrome. Last evaluated: 2020-11-12. Review status: criteria provided, single submitter. Criteria: ACMG Guidelines, 2015. Collection method: clinical testing. Allele origin: de novo. Inheritance: Autosomal dominant inheritance. Affected: yes. Study: CSER-P3EGS.

Literature cited by the submitters: PubMed 37250406 (cited by Medical Genetic Diagnosis and Therapy Center, Fujian Medical University).

NM_001134407.3(GRIN2A):c.2453C>T (p.Ala818Val)

Gene: GRIN2A (glutamate ionotropic receptor NMDA type subunit 2A; minus strand). Cytogenetic location: 16p13.2.
Variant type: single nucleotide variant.
Coding change: c.2453C>T on transcript NM_001134407.3 (MANE Select); coding-DNA position 2453, C replaced by T.
Protein change: p.Ala818Val; replaces alanine 818 with valine.
Molecular consequence: missense variant.
Genome position (GRCh38, 1-based): chr16:9,768,993, G>A on the plus strand (C>T on the coding strand, the complement: GRIN2A is on the minus strand). VCF-style: chr16-9768993-G-A. GRCh37 (hg19) VCF-style: chr16-9862850-G-A.
Other names: c.2453C>T, p.Ala818Val (NM_000833.5, NM_001134408.2); short protein forms A818V.
Identifiers: ClinVar variation 1065504 (VCV001065504.31), dbSNP rs751455326, ClinGen allele CA7896509.